The following is an entry in ClinVar:

NM_003850.3(SUCLA2):c.1087C>G (p.Leu363Val)

Gene: SUCLA2 (succinate-CoA ligase ADP-forming subunit beta; minus strand). Cytogenetic location: 13q14.2.
Variant type: single nucleotide variant.
Coding change: c.1087C>G on transcript NM_003850.3 (MANE Select); coding-DNA position 1087, C replaced by G.
Protein change: p.Leu363Val; replaces leucine 363 with valine.
Molecular consequence: missense variant.
Genome position (GRCh38, 1-based): chr13:47,954,160, G>C on the plus strand (C>G on the coding strand, the complement: SUCLA2 is on the minus strand). VCF-style: chr13-47954160-G-C. GRCh37 (hg19) VCF-style: chr13-48528295-G-C.
Other names: short protein forms L363V.
Identifiers: ClinVar variation 2007133 (VCV002007133.4), dbSNP rs2541673162, ClinGen allele CA388145173.

ClinVar aggregate classification (germline): Uncertain significance (1 of 4 stars; one submission).

Conditions:
Mitochondrial DNA depletion syndrome, encephalomyopathic form with methylmalonic aciduria (MTDPS5). Also called: MITOCHONDRIAL DNA DEPLETION SYNDROME, ENCEPHALOMYOPATHIC FORM, WITH OR WITHOUT METHYLMALONIC ACIDURIA, AUTOSOMAL RECESSIVE, SUCLA2-RELATED; Mitochondrial DNA depletion syndrome 5 (encephalomyopathic with or without methylmalonic aciduria); Mitochondrial encephalomyopathy aminoacidopathy; SUCLA2-Related Mitochondrial DNA Depletion Syndrome, Encephalomyopathic Form with Methylmalonic Aciduria. Identifiers: Orphanet 1933, MedGen C5980207, MONDO:0012791, OMIM 612073.

Submission:

Labcorp Genetics (formerly Invitae), Labcorp
Classification: Uncertain significance for Mitochondrial DNA depletion syndrome, encephalomyopathic form with methylmalonic aciduria. Last evaluated: 2021-11-27. Review status: criteria provided, single submitter. Criteria: Invitae Variant Classification Sherloc (09022015). Collection method: clinical testing. Allele origin: germline.
Comment: This variant has not been reported in the literature in individuals affected with SUCLA2-related conditions. In summary, the available evidence is currently insufficient to determine the role of this variant in disease. Therefore, it has been classified as a Variant of Uncertain Significance. Algorithms developed to predict the effect of sequence changes on RNA splicing suggest that this variant may create or strengthen a splice site. Algorithms developed to predict the effect of missense changes on protein structure and function are either unavailable or do not agree on the potential impact of this missense change (SIFT: "Tolerated"; PolyPhen-2: "Possibly Damaging"; Align-GVGD: "Class C15"). This variant is not present in population databases (gnomAD no frequency). This sequence change replaces leucine, which is neutral and non-polar, with valine, which is neutral and non-polar, at codon 363 of the SUCLA2 protein (p.Leu363Val).